The following is an entry in ClinVar:

NM_006393.3(NEBL):c.1427A>C (p.Lys476Thr)

Gene: NEBL (nebulette; minus strand). Cytogenetic location: 10p12.31.
Variant type: single nucleotide variant.
Coding change: c.1427A>C on transcript NM_006393.3 (MANE Select); coding-DNA position 1427, A replaced by C.
Protein change: p.Lys476Thr; replaces lysine 476 with threonine.
Molecular consequence: missense variant. On other transcripts: intron variant (9).
Genome position (GRCh38, 1-based): chr10:20,835,535, T>G on the plus strand (A>C on the coding strand, the complement: NEBL is on the minus strand). VCF-style: chr10-20835535-T-G. GRCh37 (hg19) VCF-style: chr10-21124464-T-G.
Other names: c.250-22595A>C (NM_001377326.1, NM_001377327.1, NM_001377328.1); c.358-22595A>C (NM_213569.2, NM_001173484.2, NM_001377322.1); c.301-22595A>C (NM_001377324.1); c.292-22595A>C (NM_001377325.1); c.310-22595A>C (NM_001377323.1); short protein forms K476T.
Identifiers: ClinVar variation 3225555 (VCV003225555.1), dbSNP rs2491827593, ClinGen allele CA376098209.

ClinVar aggregate classification (germline): Uncertain significance (1 of 4 stars; one submission).

Submission:

Ambry Genetics
Classification: Uncertain significance. Last evaluated: 2023-12-31. Review status: criteria provided, single submitter. Criteria: Ambry Variant Classification Scheme 2023. Collection method: clinical testing. Allele origin: germline.
Comment: The p.K476T variant (also known as c.1427A>C), located in coding exon 14 of the NEBL gene, results from an A to C substitution at nucleotide position 1427. The lysine at codon 476 is replaced by threonine, an amino acid with similar properties. This amino acid position is conserved. In addition, this alteration is predicted to be tolerated by in silico analysis. Since supporting evidence is limited at this time, the clinical significance of this alteration remains unclear.